The following is an entry in ClinVar:

ClinVar aggregate classification (germline): Uncertain significance (1 of 4 stars; one submission).

Conditions:
Hereditary cancer-predisposing syndrome. Also called: Neoplastic Syndromes, Hereditary; Tumor predisposition; Hereditary Cancer Syndrome; Hereditary neoplastic syndrome. Identifiers: Orphanet 140162, MedGen C0027672, MeSH D009386, MONDO:0015356.

Submission:

Ambry Genetics
Classification: Uncertain significance for Hereditary cancer-predisposing syndrome. Last evaluated: 2021-06-14. Review status: criteria provided, single submitter. Criteria: Ambry Variant Classification Scheme 2023. Collection method: clinical testing. Allele origin: germline.
Comment: The p.E257D variant (also known as c.771A>C), located in coding exon 7 of the NBN gene, results from an A to C substitution at nucleotide position 771. The glutamic acid at codon 257 is replaced by aspartic acid, an amino acid with highly similar properties. This amino acid position is not well conserved in available vertebrate species. In addition, this alteration is predicted to be tolerated by in silico analysis. Since supporting evidence is limited at this time, the clinical significance of this alteration remains unclear.

NM_002485.5(NBN):c.771A>C (p.Glu257Asp)

Gene: NBN (nibrin; minus strand). Cytogenetic location: 8q21.3.
Variant type: single nucleotide variant.
Coding change: c.771A>C on transcript NM_002485.5 (MANE Select); coding-DNA position 771, A replaced by C.
Protein change: p.Glu257Asp; replaces glutamic acid 257 with aspartic acid.
Molecular consequence: missense variant.
Genome position (GRCh38, 1-based): chr8:89,970,489, T>G on the plus strand (A>C on the coding strand, the complement: NBN is on the minus strand). VCF-style: chr8-89970489-T-G. GRCh37 (hg19) VCF-style: chr8-90982717-T-G.
Other names: c.525A>C, p.Glu175Asp (NM_001024688.3); short protein forms E257D, E175D.
Identifiers: ClinVar variation 1760290 (VCV001760290.2), dbSNP rs1563559869, ClinGen allele CA371658705.